The following is an entry in ClinVar:

NM_001927.4(DES):c.127A>G (p.Lys43Glu)

Gene: DES (desmin; plus strand). Cytogenetic location: 2q35.
Variant type: single nucleotide variant.
Coding change: c.127A>G on transcript NM_001927.4 (MANE Select); coding-DNA position 127, A replaced by G.
Protein change: p.Lys43Glu; replaces lysine 43 with glutamic acid.
Molecular consequence: missense variant.
Genome position (GRCh38, 1-based): chr2:219,418,589, A>G. VCF-style: chr2-219418589-A-G. GRCh37 (hg19) VCF-style: chr2-220283311-A-G.
Other names: short protein forms K43E.
Identifiers: ClinVar variation 44250 (VCV000044250.4), dbSNP rs397516689, ClinGen allele CA133823.
Genomic context (GRCh38, chr2:219,418,589, plus strand): 5'-GGCTTCCCACTCGGCTCCCCGCTGAGTTCGCCCGTGTTCCCGCGGGCGGGTTTCGGCTCT[A>G]AGGGCTCCTCCAGCTCGGTGACGTCCCGCGTGTACCAGGTGTCGCGCACGTCGGGCGGGG-3'
Protein context (NP_001918.3, residues 33-53): PVFPRAGFGS[Lys43Glu]GSSSSVTSRV

ClinVar aggregate classification (germline): Uncertain significance (1 of 4 stars; one submission).

Submission:

Laboratory for Molecular Medicine, Mass General Brigham Personalized Medicine
Classification: Uncertain significance. Last evaluated: 2012-05-31. Review status: criteria provided, single submitter. Criteria: LMM Criteria. Collection method: clinical testing. Allele origin: germline. Observed: 3 variant alleles.
Comment: Computational an alyses (biochemical amino acid properties, conservation, AlignGVGD, PolyPhen, an d SIFT) do not provide strong support for or against an impact to the protein. A dditional information is needed to fully assess the clinical significance of the Lys43Glu variant.